The following is an entry in ClinVar:

NM_000466.3(PEX1):c.43del (p.Ala15fs)

Genes: PEX1 (peroxisomal biogenesis factor 1; minus strand), LOC129998796 (ATAC-STARR-seq lymphoblastoid silent region 18372; plus strand). Cytogenetic location: 7q21.2.
Variant type: Deletion.
Coding change: c.43del on transcript NM_000466.3 (MANE Select); coding-DNA position 43, one base deleted (G; older notation c.43delG).
Protein change: p.Ala15fs; shifts the reading frame from alanine 15.
Molecular consequence: frameshift variant. On other transcripts: 5 prime UTR variant (1).
Genome position (GRCh38, 1-based): chr7:92,528,393, C deleted on the plus strand (G on the coding strand, the reverse complement: PEX1 is on the minus strand); the first of 4 consecutive C bases (chr7:92,528,393-92,528,396); deleting any one gives the same sequence. VCF-style (leftmost placement, unchanged base first): chr7-92528392-GC-G. GRCh37 (hg19) VCF-style: chr7-92157706-GC-G.
Other names: c.43del, p.Ala15fs (NM_001282677.2); c.-617del (NM_001282678.2); short protein forms A15fs.
Identifiers: ClinVar variation 2677618 (VCV002677618.4), dbSNP rs2484725787, ClinGen allele CA2683721606.

ClinVar aggregate classification (germline): Pathogenic/Likely pathogenic. Review status: criteria provided, multiple submitters, no conflicts (2 of 4 stars). 2 submissions from 2 submitters: Pathogenic (1); Likely pathogenic (1). Last evaluated 2023-06-15.

Conditions:
Heimler syndrome 1 (HMLR1). Also called: PEROXISOME BIOGENESIS DISORDER 1C. Identifiers: Orphanet 3220, MedGen C4551980, OMIM 234580, MONDO:0024544.
Zellweger spectrum disorders (ZS). Also called: Zellweger syndrome; Zellweger Spectrum Disorder (ZSD); Zellweger Spectrum Disorder; Zellweger Spectrum. Identifiers: Orphanet 912, MedGen C0043459, MONDO:0019609.

Submissions (2):

Baylor Genetics
Classification: Likely pathogenic for Heimler syndrome 1. Last evaluated: 2023-06-15. Review status: criteria provided, single submitter. Criteria: ACMG Guidelines, 2015. Collection method: clinical testing. Allele origin: unknown.

Labcorp Genetics (formerly Invitae), Labcorp
Classification: Pathogenic for Zellweger spectrum disorders. Last evaluated: 2023-02-04. Review status: criteria provided, single submitter. Criteria: Invitae Variant Classification Sherloc (09022015). Collection method: clinical testing. Allele origin: germline.
Comment: For these reasons, this variant has been classified as Pathogenic. This sequence change creates a premature translational stop signal (p.Ala15Argfs*3) in the PEX1 gene. It is expected to result in an absent or disrupted protein product. Loss-of-function variants in PEX1 are known to be pathogenic (PMID: 9398847, 16086329, 16141001, 21031596, 26387595, 31831025). This variant is not present in population databases (gnomAD no frequency). This variant has not been reported in the literature in individuals affected with PEX1-related conditions.

Literature cited by the submitters: PubMed 9398847 (cited by Labcorp Genetics (formerly Invitae), Labcorp); PubMed 16086329 (cited by Labcorp Genetics (formerly Invitae), Labcorp); PubMed 16141001 (cited by Labcorp Genetics (formerly Invitae), Labcorp); PubMed 21031596 (cited by Labcorp Genetics (formerly Invitae), Labcorp); PubMed 26387595 (cited by Labcorp Genetics (formerly Invitae), Labcorp); PubMed 31831025 (cited by Labcorp Genetics (formerly Invitae), Labcorp).